The following is an entry in ClinVar:

ClinVar aggregate classification (germline): Benign/Likely benign. Review status: criteria provided, multiple submitters, no conflicts (2 of 4 stars). 6 submissions from 6 submitters: Benign (1); Likely benign (3). 2 of the submissions do not count toward it. Last evaluated 2026-02-02.

Conditions:
Nephronophthisis. Also called: Juvenile Nephronophthisis. Identifiers: Orphanet 655, MedGen C0687120, MONDO:0019005, HP:0000090.
NPHP4-related disorder. Also called: NPHP4-related disorders; NPHP4-related condition. Identifiers: MedGen CN239384.

Allele frequency attached by ClinVar (database versions not stated): ESP Exome Variant Server 0.00008; TOPMed 0.00021; gnomAD 0.00033 and 0.00054; 1000 Genomes Project 30x 0.00109; 1000 Genomes Project 0.00120.
gnomAD v4.1: 1,072 of 1,613,840 alleles (0.066%); highest among the groups gnomAD compares: South Asian, 0.82%; 13 homozygotes.

Submissions (6):

Labcorp Genetics (formerly Invitae), Labcorp
Classification: Benign for Nephronophthisis. Last evaluated: 2026-02-02. Review status: criteria provided, single submitter. Criteria: Invitae Variant Classification Sherloc (09022015). Collection method: clinical testing. Allele origin: germline.

CeGaT Center for Human Genetics Tuebingen
Classification: Likely benign. Last evaluated: 2023-01-01. Review status: criteria provided, single submitter. Criteria: CeGaT Center For Human Genetics Tuebingen Variant Classification Criteria Version 2. Collection method: clinical testing. Allele origin: germline. Affected: yes. Observed: 1 variant allele.
Comment: NPHP4: BS2

Eurofins Ntd Llc (ga)
Classification: Likely benign. Last evaluated: 2017-02-20. Review status: criteria provided, single submitter. Criteria: EGL Classification Definitions 2015. Collection method: clinical testing. Allele origin: germline. Observed: 1 variant allele, 1 heterozygote.

Breakthrough Genomics
Classification: Likely benign. Review status: criteria provided, single submitter. Criteria: ACMG Guidelines, 2015. Collection method: not provided. Allele origin: germline. Inheritance: Autosomal recessive inheritance. Affected: yes.

PreventionGenetics, part of Exact Sciences
Classification: Likely benign for NPHP4-related condition. Last evaluated: 2020-01-02. Review status: no assertion criteria provided. Collection method: clinical testing. Allele origin: germline. Not counted in ClinVar's aggregate classification.
Comment: This variant is classified as likely benign based on ACMG/AMP sequence variant interpretation guidelines (Richards et al. 2015 PMID: 25741868, with internal and published modifications).

Department of Pathology and Laboratory Medicine, Sinai Health System
Classification: Benign. Review status: no assertion criteria provided. Collection method: clinical testing. Allele origin: unknown. Affected: yes. Study: The Canadian Open Genetics Repository (COGR). Not counted in ClinVar's aggregate classification.
Comment: The NPHP4 p.T315M variant was not identified in the literature but was identified in dbSNP (ID: rs200684272) and ClinVar (classified as benign by Invitae and as likely benign by EGL Genetic Diagnostics). The variant was identified in control databases in 297 of 280526 chromosomes (5 homozygous) at a frequency of 0.001059, and was observed at the highest frequency in the South Asian population in 214 of 30590 chromosomes (5 homozygous) (freq: 0.006996) (Genome Aggregation Database March 6, 2019, v2.1.1). The p.T315 residue is conserved in mammals and computational analyses (MUT Assesor, PolyPhen-2, SIFT, MutationTaster, Revel, FATHMM, MetaLR, DANN) provide inconsistent predictions regarding the impact to the protein; this information is not very predictive of pathogenicity. The variant occurs outside of the splicing consensus sequence and in silico or computational prediction software programs (Splice AI exome) do not predict a difference in splicing. In summary, based on the above information this variant meets our laboratory's criteria to be classified as benign.

NM_015102.5(NPHP4):c.944C>T (p.Thr315Met)

Gene: NPHP4 (nephrocystin 4; minus strand). Cytogenetic location: 1p36.31.
Variant type: single nucleotide variant.
Coding change: c.944C>T on transcript NM_015102.5 (MANE Select); coding-DNA position 944, C replaced by T.
Protein change: p.Thr315Met; replaces threonine 315 with methionine.
Molecular consequence: missense variant. On other transcripts: 5 prime UTR variant (2), non-coding transcript variant (1).
Genome position (GRCh38, 1-based): chr1:5,948,118, G>A on the plus strand (C>T on the coding strand, the complement: NPHP4 is on the minus strand). VCF-style: chr1-5948118-G-A. GRCh37 (hg19) VCF-style: chr1-6008178-G-A.
Other names: c.-423C>T (NM_001291593.2, NM_001291594.2); short protein forms T315M.
Identifiers: ClinVar variation 500336 (VCV000500336.42), dbSNP rs200684272, ClinGen allele CA554698.